The following is an entry in ClinVar:

ClinVar aggregate classification (germline): Uncertain significance. Review status: criteria provided, multiple submitters, no conflicts (2 of 4 stars). 3 submissions from 3 submitters: Uncertain significance (3). Last evaluated 2026-01-26.

Allele frequency attached by ClinVar (database versions not stated): ESP Exome Variant Server 0.00008; 1000 Genomes Project 30x 0.00016; 1000 Genomes Project 0.00020.
gnomAD v4.1: 34 of 1,613,930 alleles (0.0021%); highest among the groups gnomAD compares: African/African-American, 0.017%; no homozygotes.

Submissions (3):

GeneDx
Classification: Uncertain significance. Last evaluated: 2026-01-26. Review status: criteria provided, single submitter. Criteria: GeneDx Variant Classification Process June 2021. Collection method: clinical testing. Allele origin: germline.
Comment: In silico analysis suggests that this missense variant does not alter protein structure/function; Has not been previously published as pathogenic or benign to our knowledge

Labcorp Genetics (formerly Invitae), Labcorp
Classification: Uncertain significance. Last evaluated: 2024-10-10. Review status: criteria provided, single submitter. Criteria: Invitae Variant Classification Sherloc (09022015). Collection method: clinical testing. Allele origin: germline.
Comment: This sequence change replaces threonine, which is neutral and polar, with methionine, which is neutral and non-polar, at codon 2099 of the TECTA protein (p.Thr2099Met). This variant is present in population databases (rs149716373, gnomAD 0.03%). This variant has not been reported in the literature in individuals affected with TECTA-related conditions. ClinVar contains an entry for this variant (Variation ID: 2437032). Invitae Evidence Modeling of protein sequence and biophysical properties (such as structural, functional, and spatial information, amino acid conservation, physicochemical variation, residue mobility, and thermodynamic stability) has been performed for this missense variant. However, the output from this modeling did not meet the statistical confidence thresholds required to predict the impact of this variant on TECTA protein function. In summary, the available evidence is currently insufficient to determine the role of this variant in disease. Therefore, it has been classified as a Variant of Uncertain Significance.

Revvity Omics, Revvity
Classification: Uncertain significance. Last evaluated: 2019-05-01. Review status: criteria provided, single submitter. Criteria: ACMG Guidelines, 2015. Collection method: clinical testing. Allele origin: germline.

NM_005422.4(TECTA):c.6296C>T (p.Thr2099Met)

Genes: TBCEL-TECTA (TBCEL-TECTA readthrough; plus strand), TECTA (tectorin alpha; plus strand). Cytogenetic location: 11q23.3.
Variant type: single nucleotide variant.
Coding change: c.6296C>T on transcript NM_005422.4 (MANE Select); coding-DNA position 6296, C replaced by T.
Protein change: p.Thr2099Met; replaces threonine 2099 with methionine.
Molecular consequence: missense variant.
Genome position (GRCh38, 1-based): chr11:121,189,809, C>T. VCF-style: chr11-121189809-C-T. GRCh37 (hg19) VCF-style: chr11-121060518-C-T.
Other names: c.7238C>T, p.Thr2413Met (NM_001378761.1); short protein forms T2099M, T2413M.
Identifiers: ClinVar variation 2437032 (VCV002437032.5), dbSNP rs149716373, ClinGen allele CA6327946.